The following is an entry in ClinVar:

ClinVar aggregate classification (germline): Conflicting classifications of pathogenicity. Review status: criteria provided, conflicting classifications (1 of 4 stars). 7 submissions from 7 submitters: Uncertain significance (4); Likely benign (2). 1 of the submissions does not count toward it. Last evaluated 2026-01-18.

Conditions:
Birt-Hogg-Dube syndrome 1 (BHD1). Also called: FIBROFOLLICULOMAS WITH TRICHODISCOMAS AND ACROCHORDONS. Identifiers: Orphanet 122, MedGen CN375946, MONDO:0800445, OMIM 135150.
Colorectal cancer. Also called: Malignant Colorectal Neoplasm; Colorectal cancer, somatic. Identifiers: MedGen C0346629, MONDO:0005575, OMIM 114500.
Birt-Hogg-Dube syndrome. Also called: Birt Hogg Dubé syndrome. Identifiers: Orphanet 122, MedGen C0346010, MONDO:0800444.
Familial spontaneous pneumothorax (PSP). Identifiers: Orphanet 2903, MedGen C1868193, MONDO:0008259, OMIM 173600.
17p11.2 microduplication syndrome (PTLS). Also called: CHROMOSOME 17p11.2 DUPLICATION SYNDROME; Potocki-Lupski syndrome; Duplication 17p11.2 syndrome; Potocki-Lupski syndrome (dup(17)(p11.2p11.2)). Identifiers: Orphanet 1713, MedGen C2931246, MONDO:0012574, OMIM 610883.
Nonpapillary renal cell carcinoma. Identifiers: Orphanet 422526, MedGen CN074294, MONDO:0007763, OMIM 144700.
Hereditary cancer-predisposing syndrome. Also called: Tumor predisposition; Hereditary neoplastic syndrome; Neoplastic Syndromes, Hereditary; Hereditary Cancer Syndrome. Identifiers: Orphanet 140162, MedGen C0027672, MeSH D009386, MONDO:0015356.

Allele frequency attached by ClinVar (database versions not stated): TOPMed 0.00001; gnomAD 0.00006.

Submissions (7):

Labcorp Genetics (formerly Invitae), Labcorp
Classification: Uncertain significance for Birt-Hogg-Dube syndrome. Last evaluated: 2026-01-18. Review status: criteria provided, single submitter. Criteria: Invitae Variant Classification Sherloc (09022015). Collection method: clinical testing. Allele origin: germline.
Comment: This sequence change replaces proline, which is neutral and non-polar, with leucine, which is neutral and non-polar, at codon 428 of the FLCN protein (p.Pro428Leu). This variant is present in population databases (rs199889477, gnomAD 0.02%). This variant has not been reported in the literature in individuals affected with FLCN-related conditions. ClinVar contains an entry for this variant (Variation ID: 134430). Invitae Evidence Modeling of protein sequence and biophysical properties (such as structural, functional, and spatial information, amino acid conservation, physicochemical variation, residue mobility, and thermodynamic stability) indicates that this missense variant is not expected to disrupt FLCN protein function with a negative predictive value of 80%. In summary, the available evidence is currently insufficient to determine the role of this variant in disease. Therefore, it has been classified as a Variant of Uncertain Significance.

Center for Genomic Medicine, Rigshospitalet, Copenhagen University Hospital
Classification: Uncertain significance. Last evaluated: 2025-03-04. Review status: criteria provided, single submitter. Criteria: ACMG Guidelines, 2015. Collection method: clinical testing. Allele origin: germline.

Myriad Genetics, Inc.
Classification: Likely benign for Birt-Hogg-Dube syndrome 1. Last evaluated: 2024-08-08. Review status: criteria provided, single submitter. Criteria: Myriad Autosomal Dominant, Autosomal Recessive and X-Linked Classification Criteria (2023). Collection method: clinical testing. Allele origin: unknown.
Comment: This variant is considered likely benign. This variant has been observed at a population frequency that is significantly greater than expected given the associated disease prevalence and penetrance.

GeneDx
Classification: Uncertain significance. Last evaluated: 2023-12-31. Review status: criteria provided, single submitter. Criteria: GeneDx Variant Classification Process June 2021. Collection method: clinical testing. Allele origin: germline. Affected: yes.
Comment: In silico analysis supports that this missense variant does not alter protein structure/function; Identified in healthy individuals undergoing whole genome sequencing (PMID: 24728327); This variant is associated with the following publications: (PMID: 17028174, 24728327)

Ambry Genetics
Classification: Likely benign for Hereditary cancer-predisposing syndrome. Last evaluated: 2023-09-23. Review status: criteria provided, single submitter. Criteria: Ambry Variant Classification Scheme 2023. Collection method: clinical testing. Allele origin: germline.

Fulgent Genetics
Classification: Uncertain significance for Colorectal cancer; Birt-Hogg-Dube syndrome 1; Nonpapillary renal cell carcinoma; Familial spontaneous pneumothorax; 17p11.2 microduplication syndrome. Last evaluated: 2021-07-08. Review status: criteria provided, single submitter. Criteria: ACMG Guidelines, 2015. Collection method: clinical testing. Allele origin: unknown.

ITMI
No classification provided. Condition: AllHighlyPenetrant. Last evaluated: 2013-09-19. Review status: no classification provided. Collection method: reference population. Allele origin: germline. Not counted in ClinVar's aggregate classification.
Comment: Please see associated publication for description of ethnicities

Literature cited by the submitters: PubMed 24728327 (cited by ITMI).

NM_144997.7(FLCN):c.1283C>T (p.Pro428Leu)

Gene: FLCN (folliculin; minus strand). Cytogenetic location: 17p11.2.
Variant type: single nucleotide variant.
Coding change: c.1283C>T on transcript NM_144997.7 (MANE Select); coding-DNA position 1283, C replaced by T.
Protein change: p.Pro428Leu; replaces proline 428 with leucine.
Molecular consequence: missense variant.
Genome position (GRCh38, 1-based): chr17:17,216,397, G>A on the plus strand (C>T on the coding strand, the complement: FLCN is on the minus strand). VCF-style: chr17-17216397-G-A. GRCh37 (hg19) VCF-style: chr17-17119711-G-A.
Other names: c.1283C>T (LRG_325t1); c.1337C>T, p.Pro446Leu (NM_001353229.2); c.1283C>T, p.Pro428Leu (NM_001353230.2, NM_001353231.2); short protein forms P428L, P446L.
Identifiers: ClinVar variation 134430 (VCV000134430.21), dbSNP rs199889477, ClinGen allele CA159789.